The following is an entry in ClinVar:

NM_024675.4(PALB2):c.3421G>A (p.Asp1141Asn)

Gene: PALB2 (partner and localizer of BRCA2; minus strand). Cytogenetic location: 16p12.2.
Variant type: single nucleotide variant.
Coding change: c.3421G>A on transcript NM_024675.4 (MANE Select); coding-DNA position 3421, G replaced by A.
Protein change: p.Asp1141Asn; replaces aspartic acid 1141 with asparagine.
Molecular consequence: missense variant.
Genome position (GRCh38, 1-based): chr16:23,603,599, C>T on the plus strand (G>A on the coding strand, the complement: PALB2 is on the minus strand). VCF-style: chr16-23603599-C-T. GRCh37 (hg19) VCF-style: chr16-23614920-C-T.
Other names: short protein forms D1141N.
Identifiers: ClinVar variation 422752 (VCV000422752.5), dbSNP rs1064795975, ClinGen allele CA16620112.

ClinVar aggregate classification (germline): Conflicting classifications of pathogenicity. Review status: criteria provided, conflicting classifications (1 of 4 stars). 3 submissions from 3 submitters: Uncertain significance (2); Likely benign (1). Last evaluated 2024-11-12.

Conditions:
Hereditary cancer-predisposing syndrome. Also called: Hereditary neoplastic syndrome; Neoplastic Syndromes, Hereditary; Tumor predisposition; Hereditary Cancer Syndrome. Identifiers: Orphanet 140162, MedGen C0027672, MeSH D009386, MONDO:0015356.
Familial cancer of breast. Also called: Hereditary breast cancer; BREAST CANCER, FAMILIAL; hereditary breast carcinoma. Identifiers: Orphanet 227535, MedGen C0346153, MONDO:0016419, OMIM 114480. Disease mechanism: loss of function.

Submissions (3):

Ambry Genetics
Classification: Likely benign for Hereditary cancer-predisposing syndrome. Last evaluated: 2024-11-12. Review status: criteria provided, single submitter. Criteria: Ambry Variant Classification Scheme 2023. Collection method: clinical testing. Allele origin: germline.

Labcorp Genetics (formerly Invitae), Labcorp
Classification: Uncertain significance for Familial cancer of breast. Last evaluated: 2022-06-29. Review status: criteria provided, single submitter. Criteria: Invitae Variant Classification Sherloc (09022015). Collection method: clinical testing. Allele origin: germline.
Comment: This sequence change replaces aspartic acid, which is acidic and polar, with asparagine, which is neutral and polar, at codon 1141 of the PALB2 protein (p.Asp1141Asn). This variant is not present in population databases (gnomAD no frequency). This variant has not been reported in the literature in individuals affected with PALB2-related conditions. ClinVar contains an entry for this variant (Variation ID: 422752). Algorithms developed to predict the effect of missense changes on protein structure and function output the following: SIFT: "Deleterious"; PolyPhen-2: "Possibly Damaging"; Align-GVGD: "Class C15". The asparagine amino acid residue is found in multiple mammalian species, which suggests that this missense change does not adversely affect protein function. In summary, the available evidence is currently insufficient to determine the role of this variant in disease. Therefore, it has been classified as a Variant of Uncertain Significance.

GeneDx
Classification: Uncertain significance. Last evaluated: 2016-11-10. Review status: criteria provided, single submitter. Criteria: GeneDx Variant Classification (06012015). Collection method: clinical testing. Allele origin: germline. Affected: yes.
Comment: This variant is denoted PALB2 c.3421G>A at the cDNA level, p.Asp1141Asn (D1141N) at the protein level, and results in the change of an Aspartic Acid to an Asparagine (GAC>AAC). This variant has not, to our knowledge, been published in the literature as pathogenic or benign. PALB2 Asp1141Asn was not observed in approximately 6,500 individuals of European and African American ancestry in the NHLBI Exome Sequencing Project, suggesting it is not a common benign variant in these populations. Since Aspartic Acid and Asparagine differ in some properties, this is considered a semi-conservative amino acid substitution. PALB2 Asp1141Asn occurs at a position that is conserved in mammals and is located within the region required for POLH DNA synthesis stimulation and for interaction with RAD51D, BRCA2 and POLH. In silico analyses predict that this variant is probably damaging to protein structure and function. Based on currently available evidence, it is unclear whether PALB2 Asp1141Asn is a pathogenic or benign variant. We consider it to be a variant of uncertain significance.